The following is an entry in ClinVar:

ClinVar aggregate classification (germline): Uncertain significance (1 of 4 stars; one submission).

gnomAD v4.1: 39 of 1,614,200 alleles (0.0024%); highest among the groups gnomAD compares: Non-Finnish European, 0.0033%; no homozygotes.

Submission:

Labcorp Genetics (formerly Invitae), Labcorp
Classification: Uncertain significance. Last evaluated: 2025-02-20. Review status: criteria provided, single submitter. Criteria: Invitae Variant Classification Sherloc (09022015). Collection method: clinical testing. Allele origin: germline.
Comment: This sequence change replaces alanine, which is neutral and non-polar, with valine, which is neutral and non-polar, at codon 1278 of the KMT2A protein (p.Ala1278Val). This variant is present in population databases (rs782725093, gnomAD 0.0009%). This variant has not been reported in the literature in individuals affected with KMT2A-related conditions. Invitae Evidence Modeling of protein sequence and biophysical properties (such as structural, functional, and spatial information, amino acid conservation, physicochemical variation, residue mobility, and thermodynamic stability) indicates that this missense variant is not expected to disrupt KMT2A protein function with a negative predictive value of 95%. In summary, the available evidence is currently insufficient to determine the role of this variant in disease. Therefore, it has been classified as a Variant of Uncertain Significance.

NM_001197104.2(KMT2A):c.3833C>T (p.Ala1278Val)

Gene: KMT2A (lysine methyltransferase 2A; plus strand). Cytogenetic location: 11q23.3.
Variant type: single nucleotide variant.
Coding change: c.3833C>T on transcript NM_001197104.2 (MANE Select); coding-DNA position 3833, C replaced by T.
Protein change: p.Ala1278Val; replaces alanine 1278 with valine.
Molecular consequence: missense variant.
Genome position (GRCh38, 1-based): chr11:118,481,913, C>T. VCF-style: chr11-118481913-C-T. GRCh37 (hg19) VCF-style: chr11-118352628-C-T.
Other names: c.3932C>T, p.Ala1311Val (NM_001412597.1); c.3833C>T, p.Ala1278Val (NM_005933.4); short protein forms A1311V, A1278V.
Identifiers: ClinVar variation 4744971 (VCV004744971.1).